The following is an entry in ClinVar:

NM_000137.4(FAH):c.963C>G (p.Tyr321Ter)

Gene: FAH (fumarylacetoacetate hydrolase; plus strand). Cytogenetic location: 15q25.1.
Variant type: single nucleotide variant.
Coding change: c.963C>G on transcript NM_000137.4 (MANE Select); coding-DNA position 963, C replaced by G.
Protein change: p.Tyr321Ter; replaces tyrosine 321 with a stop codon.
Molecular consequence: nonsense.
Genome position (GRCh38, 1-based): chr15:80,180,126, C>G. VCF-style: chr15-80180126-C-G. GRCh37 (hg19) VCF-style: chr15-80472468-C-G.
Other names: c.963C>G, p.Tyr321Ter (NM_001374377.1, NM_001374380.1); short protein forms Y321*.
Identifiers: ClinVar variation 1996251 (VCV001996251.4), dbSNP rs886044640, ClinGen allele CA393621646.
Genomic context (GRCh38, chr15:80,180,126, plus strand): 5'-CCGGGATGCTAGGCTAAGCCTGCCGCTGCTCATTCCACCTCGCGTCCATTGCCTGCAGTA[C>G]ATGTACTGGACGATGCTGCAGCAGCTCACTCACCACTCTGTCAACGGCTGCAACCTGCGG-3'

ClinVar aggregate classification (germline): Pathogenic (1 of 4 stars; one submission).

Conditions:
Tyrosinemia type I (TYRSN1). Also called: FAH DEFICIENCY; Tyrosinemia type 1; Fumarylacetoacetase deficiency; Deficiency of fumarylacetoacetase; HEPATORENAL TYROSINEMIA. Identifiers: Orphanet 882, MedGen C0268490, MONDO:0010161, OMIM 276700. Disease mechanism: loss of function.

Submission:

Labcorp Genetics (formerly Invitae), Labcorp
Classification: Pathogenic for Tyrosinemia type I. Last evaluated: 2022-05-19. Review status: criteria provided, single submitter. Criteria: Invitae Variant Classification Sherloc (09022015). Collection method: clinical testing. Allele origin: germline.
Comment: For these reasons, this variant has been classified as Pathogenic. Algorithms developed to predict the effect of sequence changes on RNA splicing suggest that this variant may create or strengthen a splice site. This variant has not been reported in the literature in individuals affected with FAH-related conditions. This variant is not present in population databases (gnomAD no frequency). This sequence change creates a premature translational stop signal (p.Tyr321*) in the FAH gene. It is expected to result in an absent or disrupted protein product. Loss-of-function variants in FAH are known to be pathogenic (PMID: 9101289, 9633815).

Literature cited by the submitters: PubMed 9101289; PubMed 9633815.